The following is an entry in ClinVar:

ClinVar aggregate classification (germline): Uncertain significance. Review status: criteria provided, multiple submitters, no conflicts (2 of 4 stars). 2 submissions from 2 submitters: Uncertain significance (2). Last evaluated 2022-07-25.

Conditions:
2-aminoadipic 2-oxoadipic aciduria (AAKAD). Also called: ALPHA-AMINOADIPIC AND ALPHA-KETOADIPIC ACIDURIA; Aminoadipic aciduria. Identifiers: Orphanet 79154, MedGen C1859817, MONDO:0008774, OMIM 204750.

Allele frequency attached by ClinVar (database versions not stated): gnomAD exomes below 0.00001; TOPMed 0.00002; gnomAD 0.00003.
gnomAD v4.1: 6 of 1,614,130 alleles (0.00037%); highest among the groups gnomAD compares: African/African-American, 0.008%; no homozygotes.

Submissions (2):

Labcorp Genetics (formerly Invitae), Labcorp
Classification: Uncertain significance for 2-aminoadipic 2-oxoadipic aciduria. Last evaluated: 2022-07-25. Review status: criteria provided, single submitter. Criteria: Invitae Variant Classification Sherloc (09022015). Collection method: clinical testing. Allele origin: germline.
Comment: This sequence change replaces glutamine, which is neutral and polar, with histidine, which is basic and polar, at codon 140 of the DHTKD1 protein (p.Gln140His). In summary, the available evidence is currently insufficient to determine the role of this variant in disease. Therefore, it has been classified as a Variant of Uncertain Significance. Algorithms developed to predict the effect of missense changes on protein structure and function (SIFT, PolyPhen-2, Align-GVGD) all suggest that this variant is likely to be tolerated. ClinVar contains an entry for this variant (Variation ID: 1163327). This variant has not been reported in the literature in individuals affected with DHTKD1-related conditions. This variant is present in population databases (no rsID available, gnomAD 0.007%).

Mayo Clinic Laboratories, Mayo Clinic
Classification: Uncertain significance. Last evaluated: 2019-10-14. Review status: criteria provided, single submitter. Criteria: ACMG Guidelines, 2015. Collection method: clinical testing. Allele origin: germline. Observed: 1 variant allele.

NM_018706.7(DHTKD1):c.420G>C (p.Gln140His)

Gene: DHTKD1 (dehydrogenase E1 and transketolase domain containing 1; plus strand). Cytogenetic location: 10p14.
Variant type: single nucleotide variant.
Coding change: c.420G>C on transcript NM_018706.7 (MANE Select); coding-DNA position 420, G replaced by C.
Protein change: p.Gln140His; replaces glutamine 140 with histidine.
Molecular consequence: missense variant.
Genome position (GRCh38, 1-based): chr10:12,084,649, G>C. VCF-style: chr10-12084649-G-C. GRCh37 (hg19) VCF-style: chr10-12126648-G-C.
Other names: short protein forms Q140H.
Identifiers: ClinVar variation 1163327 (VCV001163327.13), dbSNP rs953186201, ClinGen allele CA202580726.
Genomic context (GRCh38, chr10:12,084,649, plus strand): 5'-CTATCTCAATCAAATCTACTGTGGGCAGATTTCTATTGAAACCTCCCAACTTCAGAGCCA[G>C]GATGAGAAAGACTGGTTTGCCAAGCGGTTTGAGGAACTGCAAAAGGAGACGTTTACCACA-3'
Protein context (NP_061176.4, residues 130-150): ISIETSQLQS[Gln140His]DEKDWFAKRF